The following is an entry in ClinVar:

ClinVar aggregate classification (germline): Uncertain significance (1 of 4 stars; one submission).

Conditions:
Catecholaminergic polymorphic ventricular tachycardia 1. Also called: VENTRICULAR TACHYCARDIA, STRESS-INDUCED POLYMORPHIC 1; VENTRICULAR TACHYCARDIA, CATECHOLAMINERGIC POLYMORPHIC, 1, WITH OR WITHOUT ATRIAL DYSFUNCTION AND/OR DILATED CARDIOMYOPATHY; RYR2-Related Catecholaminergic Polymorphic Ventricular Tachycardia. Identifiers: Orphanet 3286, MedGen C1631597, MONDO:0011484, OMIM 604772.

Allele frequency attached by ClinVar (database versions not stated): gnomAD exomes below 0.00001; TOPMed below 0.00001; ExAC 0.00001.
gnomAD v4.1: 5 of 1,611,462 alleles (0.00031%); highest among the groups gnomAD compares: Non-Finnish European, 0.00042%; no homozygotes.

Submission:

Labcorp Genetics (formerly Invitae), Labcorp
Classification: Uncertain significance for Catecholaminergic polymorphic ventricular tachycardia 1. Last evaluated: 2022-07-11. Review status: criteria provided, single submitter. Criteria: Invitae Variant Classification Sherloc (09022015). Collection method: clinical testing. Allele origin: germline.
Comment: In summary, the available evidence is currently insufficient to determine the role of this variant in disease. Therefore, it has been classified as a Variant of Uncertain Significance. Algorithms developed to predict the effect of sequence changes on RNA splicing suggest that this variant may disrupt the consensus splice site. This variant has not been reported in the literature in individuals affected with RYR2-related conditions. This variant is present in population databases (rs750172734, gnomAD 0.0009%). This sequence change falls in intron 22 of the RYR2 gene. It does not directly change the encoded amino acid sequence of the RYR2 protein.

NM_001035.3(RYR2):c.2613+17G>A

Gene: RYR2 (ryanodine receptor 2; plus strand). Cytogenetic location: 1q43.
Variant type: single nucleotide variant.
Coding change: c.2613+17G>A on transcript NM_001035.3 (MANE Select); 17 bases into the intron after coding-DNA position 2613, G replaced by A.
Molecular consequence: intron variant.
Genome position (GRCh38, 1-based): chr1:237,503,522, G>A. VCF-style: chr1-237503522-G-A. GRCh37 (hg19) VCF-style: chr1-237666822-G-A.
Identifiers: ClinVar variation 1935023 (VCV001935023.5), dbSNP rs750172734, ClinGen allele CA086079.